The following is an entry in ClinVar:

NR_002196.3(H19):n.1311G>A

Genes: H19 (H19 imprinted maternally expressed transcript; minus strand), MRPL23 (mitochondrial ribosomal protein L23; plus strand). Cytogenetic location: 11p15.5.
Variant type: single nucleotide variant.
Molecular consequence: non-coding transcript variant (on NR_002196.3). On other transcripts: intron variant (1).
Genome position: GRCh38 VCF-style: chr11-1996532-C-T. GRCh37 (hg19) VCF-style: chr11-2017762-C-T.
Other names: c.498-15009C>T (NM_001400176.1).
Identifiers: ClinVar variation 3024686 (VCV003024686.21), dbSNP rs377448027, ClinGen allele CA5817439.

ClinVar aggregate classification (germline): Benign. Review status: criteria provided, multiple submitters, no conflicts (2 of 4 stars). 2 submissions from 2 submitters: Benign (2). Last evaluated 2024-11-03.

Conditions:
H19-related disorder. Also called: H19-related condition.

Allele frequency attached by ClinVar (database versions not stated): ExAC 0.00890; 1000 Genomes Project 0.00280.

Submissions (2):

PreventionGenetics, part of Exact Sciences
Classification: Benign for H19-related condition. Last evaluated: 2024-11-03. Review status: criteria provided, single submitter. Criteria: ACMG Guidelines, 2015. Collection method: clinical testing. Allele origin: germline.
Comment: This variant is classified as benign based on ACMG/AMP sequence variant interpretation guidelines (Richards et al. 2015 PMID: 25741868, with internal and published modifications).

CeGaT Center for Human Genetics Tuebingen
Classification: Benign. Last evaluated: 2024-10-01. Review status: criteria provided, single submitter. Criteria: CeGaT Center For Human Genetics Tuebingen Variant Classification Criteria Version 2. Collection method: clinical testing. Allele origin: germline. Affected: yes. Observed: 2 variant alleles.
Comment: H19: BS1, BS2